The following is an entry in ClinVar:

NM_000377.3(WAS):c.734+1G>C

Gene: WAS (WASP actin nucleation promoting factor; plus strand). Cytogenetic location: Xp11.23.
Variant type: single nucleotide variant.
Coding change: c.734+1G>C on transcript NM_000377.3 (MANE Select); the canonical splice donor site of the intron after coding-DNA position 734, G replaced by C.
Molecular consequence: splice donor variant.
Genome position (GRCh38, 1-based): chrX:48,686,956, G>C. VCF-style: chrX-48686956-G-C. GRCh37 (hg19) VCF-style: chrX-48545345-G-C.
Identifiers: ClinVar variation 2932742 (VCV002932742.3), dbSNP rs2519283517, ClinGen allele CA412871158.

ClinVar aggregate classification (germline): Pathogenic (1 of 4 stars; one submission).

Conditions:
X-linked severe congenital neutropenia (SCNX). Identifiers: Orphanet 86788, MedGen C1845987, MONDO:0010294, OMIM 300299.
Thrombocytopenia 1. Also called: THROMBOCYTOPENIA, X-LINKED, 1; X-Linked Thrombocytopenia (XLT); X-linked thrombocytopenia with normal platelets. Identifiers: Orphanet 268322, Orphanet 852, MedGen C1839163, MONDO:0010743, OMIM 313900.
Wiskott-Aldrich syndrome (WAS). Also called: ALDRICH SYNDROME; IMMUNODEFICIENCY 2; WISKOTT-ALDRICH SYNDROME 1; Wiskott-aldrich syndrome, somatic. Identifiers: Orphanet 906, MedGen C0043194, MONDO:0010518, OMIM 301000.

Submission:

Labcorp Genetics (formerly Invitae), Labcorp
Classification: Pathogenic for Wiskott-Aldrich syndrome; X-linked severe congenital neutropenia; Thrombocytopenia 1. Last evaluated: 2024-01-18. Review status: criteria provided, single submitter. Criteria: Invitae Variant Classification Sherloc (09022015). Collection method: clinical testing. Allele origin: germline.
Comment: This sequence change affects a donor splice site in intron 7 of the WAS gene. It is expected to disrupt RNA splicing. Variants that disrupt the donor or acceptor splice site typically lead to a loss of protein function (PMID: 16199547), and loss-of-function variants in WAS are known to be pathogenic (PMID: 15284122). This variant is not present in population databases (gnomAD no frequency). Disruption of this splice site has been observed in individuals with clinical features of Wiskott-Aldrich syndrome and/or X-linked thrombocytopenia (PMID: 15284122, 25931402, 30894704). Algorithms developed to predict the effect of sequence changes on RNA splicing suggest that this variant may disrupt the consensus splice site. For these reasons, this variant has been classified as Pathogenic.

Literature cited by the submitters: PubMed 16199547; PubMed 15284122; PubMed 25931402; PubMed 30894704.